The following is an entry in ClinVar:

ClinVar aggregate classification (germline): Likely benign. Review status: criteria provided, multiple submitters, no conflicts (2 of 4 stars). 2 submissions from 2 submitters: Likely benign (2). Last evaluated 2025-03-12.

Conditions:
Pheochromocytoma/paraganglioma syndrome 4. Also called: CAROTID BODY TUMORS AND MULTIPLE EXTRAADRENAL PHEOCHROMOCYTOMAS; PARAGANGLIOMA, FAMILIAL MALIGNANT; PARAGANGLIOMAS, HEREDITARY EXTRAADRENAL; PHEOCHROMOCYTOMA, FAMILIAL EXTRAADRENAL; SDHB-Related Hereditary Paraganglioma-Pheochromocytoma Syndrome; SDHB-Related Hereditary Paraganglioma-Pheochromocytoma Syndrome (Paragangliomas 4). Identifiers: Orphanet 29072, MedGen C1861848, MONDO:0007273, OMIM 115310.
Pheochromocytoma. Also called: MAX-Related Hereditary Paraganglioma-Pheochromocytoma Syndrome. Identifiers: Orphanet 29072, MedGen C0031511, MONDO:0008233, OMIM 171300, HP:0002666.
Gastrointestinal stromal tumor. Also called: Gastrointestinal stroma tumor; Gastrointestinal stromal tumor, somatic. Identifiers: Orphanet 44890, MedGen C0238198, MeSH D046152, MONDO:0011719, OMIM 606764, HP:0100723.

Allele frequency attached by ClinVar (database versions not stated): gnomAD 0.00001.
gnomAD v4.1: 2 of 1,593,208 alleles (0.00013%); highest among the groups gnomAD compares: Admixed American, 0.0017%; no homozygotes.

Submissions (2):

Myriad Genetics, Inc.
Classification: Likely benign for Pheochromocytoma/paraganglioma syndrome 4. Last evaluated: 2025-03-12. Review status: criteria provided, single submitter. Criteria: Myriad Autosomal Dominant, Autosomal Recessive and X-Linked Classification Criteria (2023). Collection method: clinical testing. Allele origin: unknown.
Comment: This variant is considered likely benign. This variant is intronic and is not expected to impact mRNA splicing.

Labcorp Genetics (formerly Invitae), Labcorp
Classification: Likely benign for Gastrointestinal stromal tumor; Pheochromocytoma/paraganglioma syndrome 4; Pheochromocytoma. Last evaluated: 2021-08-31. Review status: criteria provided, single submitter. Criteria: Invitae Variant Classification Sherloc (09022015). Collection method: clinical testing. Allele origin: germline.

NM_003000.3(SDHB):c.201-10T>C

Gene: SDHB (succinate dehydrogenase complex iron sulfur subunit B; minus strand). Cytogenetic location: 1p36.13.
Variant type: single nucleotide variant.
Coding change: c.201-10T>C on transcript NM_003000.3 (MANE Select); 10 bases into the intron before coding-DNA position 201, T replaced by C.
Molecular consequence: intron variant.
Genome position (GRCh38, 1-based): chr1:17,033,155, A>G on the plus strand (T>C on the coding strand, the complement: SDHB is on the minus strand). VCF-style: chr1-17033155-A-G. GRCh37 (hg19) VCF-style: chr1-17359650-A-G.
Identifiers: ClinVar variation 1665310 (VCV001665310.9), dbSNP rs761461907, ClinGen allele CA521040588.
Genomic context (GRCh38, chr1:17,033,155, plus strand): 5'-TCAACTTCATTCTTAATCTTGATTAAAGCATCCAATACCATGGGGCCACATCTAACAAAG[A>G]AAAATATCCAGTGGTATTTATGTAACGTTCAACCTCCCTACACTTTATCATAATATAATC-3'